The following is an entry in ClinVar:

NM_000069.3(CACNA1S):c.4664T>C (p.Ile1555Thr)

Gene: CACNA1S (calcium voltage-gated channel subunit alpha1 S; minus strand). Cytogenetic location: 1q32.1.
Variant type: single nucleotide variant.
Coding change: c.4664T>C on transcript NM_000069.3 (MANE Select); coding-DNA position 4664, T replaced by C.
Protein change: p.Ile1555Thr; replaces isoleucine 1555 with threonine.
Molecular consequence: missense variant.
Genome position (GRCh38, 1-based): chr1:201,047,119, A>G on the plus strand (T>C on the coding strand, the complement: CACNA1S is on the minus strand). VCF-style: chr1-201047119-A-G. GRCh37 (hg19) VCF-style: chr1-201016247-A-G.
Other names: c.4664T>C (NM_000069.2); short protein forms I1555T.
Identifiers: ClinVar variation 3072502 (VCV003072502.4), dbSNP rs975845622, ClinGen allele CA35996041.

ClinVar aggregate classification (germline): Uncertain significance. Review status: criteria provided, multiple submitters, no conflicts (2 of 4 stars). 4 submissions from 4 submitters: Uncertain significance (4). Last evaluated 2025-08-24.

Conditions:
Malignant hyperthermia, susceptibility to, 5 (MHS5). Also called: CACNA1S-Related Malignant Hyperthermia Susceptibility. Identifiers: Orphanet 423, MedGen C1866077, MONDO:0011163, OMIM 601887.
Hypokalemic periodic paralysis, type 1. Also called: HypoPP; Hypokalemic Periodic Paralysis Type 1 (AD). Identifiers: Orphanet 681, MedGen C3714580, MONDO:0042979, OMIM 170400.
Congenital myopathy 18. Also called: Myopathy, congenital, due to dihydropyridine receptor defect; DIHYDROPYRIDINE RECEPTOR CONGENITAL MYOPATHY; DHPR CONGENITAL MYOPATHY. Identifiers: MedGen C5830283, MONDO:0859514, OMIM 620246.
Thyrotoxic periodic paralysis, susceptibility to, 1 (TTPP1). Identifiers: Orphanet 79102, MedGen C2749982, MONDO:0008570, OMIM 188580.

Allele frequency attached by ClinVar (database versions not stated): TOPMed below 0.00001; gnomAD 0.00001; gnomAD exomes 0.00001.
gnomAD v4.1: 10 of 1,613,950 alleles (0.00062%); highest among the groups gnomAD compares: Non-Finnish European, 0.00085%; no homozygotes.

Submissions (4):

Color Diagnostics, LLC DBA Color Health
Classification: Uncertain significance for Malignant hyperthermia, susceptibility to, 5. Last evaluated: 2025-08-24. Review status: criteria provided, single submitter. Criteria: ACMG Guidelines, 2015. Collection method: clinical testing. Allele origin: germline.
Comment: This missense variant replaces isoleucine with threonine at codon 1555 of the CACNA1S protein. Computational prediction is inconclusive regarding the impact of this variant on protein structure and function. To our knowledge, functional studies have not been reported for this variant. This variant has not been reported in individuals affected with CACNA1S-related disorders in the literature. This variant has not been identified in the general population by the Genome Aggregation Database (gnomAD). The available evidence is insufficient to determine the role of this variant in disease conclusively. Therefore, this variant is classified as a Variant of Uncertain Significance.

GeneDx
Classification: Uncertain significance. Last evaluated: 2024-12-04. Review status: criteria provided, single submitter. Criteria: GeneDx Variant Classification Process June 2021. Collection method: clinical testing. Allele origin: germline. Affected: yes.
Comment: Not observed at significant frequency in large population cohorts (gnomAD); In silico analysis supports that this missense variant has a deleterious effect on protein structure/function; Has not been previously published as pathogenic or benign to our knowledge

Fulgent Genetics
Classification: Uncertain significance for Hypokalemic periodic paralysis, type 1; Thyrotoxic periodic paralysis, susceptibility to, 1; Malignant hyperthermia, susceptibility to, 5; Congenital myopathy 18. Last evaluated: 2024-04-15. Review status: criteria provided, single submitter. Criteria: ACMG Guidelines, 2015. Collection method: clinical testing. Allele origin: germline.

All of Us Research Program, National Institutes of Health
Classification: Uncertain significance for Malignant hyperthermia, susceptibility to, 5. Last evaluated: 2023-07-19. Review status: criteria provided, single submitter. Criteria: ACMG Guidelines, 2015. Collection method: clinical testing. Allele origin: germline. Inheritance: Autosomal dominant inheritance. Observed: 1 variant allele, 1 heterozygote.
Comment: This missense variant replaces isoleucine with threonine at codon 1555 of the CACNA1S protein. Computational prediction is inconclusive regarding the impact of this variant on protein structure and function (internally defined REVEL score threshold 0.5 < inconclusive < 0.7, PMID: 27666373). To our knowledge, functional studies have not been reported for this variant. This variant has not been reported in individuals affected with CACNA1S-related disorders in the literature. This variant has not been identified in the general population by the Genome Aggregation Database (gnomAD). The available evidence is insufficient to determine the role of this variant in disease conclusively. Therefore, this variant is classified as a Variant of Uncertain Significance.

This study involves interpretation of variants in research participants for the purpose of population health screening. Participant phenotype was not available at the time of variant classification. Additional details can be found in publication PMID: 35346344, PMCID: PMC8962531